The following is an entry in ClinVar:

NM_007254.4(PNKP):c.1370C>T (p.Ala457Val)

Gene: PNKP (polynucleotide kinase 3'-phosphatase; minus strand). Cytogenetic location: 19q13.33.
Variant type: single nucleotide variant.
Coding change: c.1370C>T on transcript NM_007254.4 (MANE Select); coding-DNA position 1370, C replaced by T.
Protein change: p.Ala457Val; replaces alanine 457 with valine.
Molecular consequence: missense variant.
Genome position (GRCh38, 1-based): chr19:49,861,624, G>A on the plus strand (C>T on the coding strand, the complement: PNKP is on the minus strand). VCF-style: chr19-49861624-G-A. GRCh37 (hg19) VCF-style: chr19-50364881-G-A.
Other names: short protein forms A457V.
Identifiers: ClinVar variation 1003543 (VCV001003543.8), dbSNP rs776349198, ClinGen allele CA9586446.

ClinVar aggregate classification (germline): Uncertain significance (1 of 4 stars; one submission).

Conditions:
Developmental and epileptic encephalopathy, 12 (DEE12). Identifiers: MedGen C3150988, MONDO:0013389, OMIM 613722.

Allele frequency attached by ClinVar (database versions not stated): gnomAD exomes 0.00001 and 0.00002; TOPMed 0.00002; ExAC 0.00006.
gnomAD v4.1: 10 of 1,555,290 alleles (0.00064%); highest among the groups gnomAD compares: African/African-American, 0.0014%; no homozygotes.

Submission:

Labcorp Genetics (formerly Invitae), Labcorp
Classification: Uncertain significance for Developmental and epileptic encephalopathy, 12. Last evaluated: 2024-07-15. Review status: criteria provided, single submitter. Criteria: Invitae Variant Classification Sherloc (09022015). Collection method: clinical testing. Allele origin: germline.
Comment: This sequence change replaces alanine, which is neutral and non-polar, with valine, which is neutral and non-polar, at codon 457 of the PNKP protein (p.Ala457Val). The frequency data for this variant in the population databases is considered unreliable, as metrics indicate poor data quality at this position in the gnomAD database. This variant has not been reported in the literature in individuals affected with PNKP-related conditions. ClinVar contains an entry for this variant (Variation ID: 1003543). Advanced modeling of protein sequence and biophysical properties (such as structural, functional, and spatial information, amino acid conservation, physicochemical variation, residue mobility, and thermodynamic stability) performed at Invitae indicates that this missense variant is not expected to disrupt PNKP protein function with a negative predictive value of 80%. Algorithms developed to predict the effect of sequence changes on RNA splicing suggest that this variant may create or strengthen a splice site. In summary, the available evidence is currently insufficient to determine the role of this variant in disease. Therefore, it has been classified as a Variant of Uncertain Significance.